The following is an entry in ClinVar:

NM_001103.4(ACTN2):c.1123T>C (p.Trp375Arg)

Gene: ACTN2 (actinin alpha 2; plus strand). Cytogenetic location: 1q43.
Variant type: single nucleotide variant.
Coding change: c.1123T>C on transcript NM_001103.4 (MANE Select); coding-DNA position 1123, T replaced by C.
Protein change: p.Trp375Arg; replaces tryptophan 375 with arginine.
Molecular consequence: missense variant. On other transcripts: non-coding transcript variant (1).
Genome position (GRCh38, 1-based): chr1:236,742,911, T>C. VCF-style: chr1-236742911-T-C. GRCh37 (hg19) VCF-style: chr1-236906211-T-C.
Other names: c.1123T>C, p.Trp375Arg (NM_001278343.2); short protein forms W375R.
Identifiers: ClinVar variation 4782770 (VCV004782770.1).

ClinVar aggregate classification (germline): Uncertain significance (1 of 4 stars; one submission).

Conditions:
Primary familial hypertrophic cardiomyopathy (HCM). Identifiers: Orphanet 99739, MedGen C0949658, MeSH D024741, MONDO:0024573. Inheritance: Various modes of inheritance.
Dilated cardiomyopathy 1AA (CMD1AA). Also called: CARDIOMYOPATHY, DILATED, 1AA, WITH OR WITHOUT LEFT VENTRICULAR NONCOMPACTION; CARDIOMYOPATHY, FAMILIAL HYPERTROPHIC, 23, WITH OR WITHOUT LEFT VENTRICULAR NONCOMPACTION; Cardiomyopathy, dilated, 1AA, with or without LVNC. Identifiers: Orphanet 154, MedGen C2677338, MONDO:0012808, OMIM 612158.

Submission:

Labcorp Genetics (formerly Invitae), Labcorp
Classification: Uncertain significance for Primary familial hypertrophic cardiomyopathy; Dilated cardiomyopathy 1AA. Last evaluated: 2025-10-13. Review status: criteria provided, single submitter. Criteria: Invitae Variant Classification Sherloc (09022015). Collection method: clinical testing. Allele origin: germline.
Comment: This sequence change replaces tryptophan, which is neutral and slightly polar, with arginine, which is basic and polar, at codon 375 of the ACTN2 protein (p.Trp375Arg). This variant is not present in population databases (gnomAD no frequency). This variant has not been reported in the literature in individuals affected with ACTN2-related conditions. Invitae Evidence Modeling of protein sequence and biophysical properties (such as structural, functional, and spatial information, amino acid conservation, physicochemical variation, residue mobility, and thermodynamic stability) indicates that this missense variant is expected to disrupt ACTN2 protein function with a positive predictive value of 80%. In summary, the available evidence is currently insufficient to determine the role of this variant in disease. Therefore, it has been classified as a Variant of Uncertain Significance.